The following is an entry in ClinVar:

ClinVar aggregate classification (germline): Uncertain significance (1 of 4 stars; one submission).

Conditions:
Oculodentodigital dysplasia, autosomal recessive. Also called: OCULODENTOOSSEOUS DYSPLASIA, AUTOSOMAL RECESSIVE; ODDD, AUTOSOMAL RECESSIVE; ODOD, AUTOSOMAL RECESSIVE. Identifiers: Orphanet 2710, MedGen C2749477, MONDO:0009768, OMIM 257850.

gnomAD v4.1: 8 of 1,613,888 alleles (0.0005%); highest among the groups gnomAD compares: Non-Finnish European, 0.00051%; no homozygotes.

Submission:

Labcorp Genetics (formerly Invitae), Labcorp
Classification: Uncertain significance for Oculodentodigital dysplasia, autosomal recessive. Last evaluated: 2024-08-11. Review status: criteria provided, single submitter. Criteria: Invitae Variant Classification Sherloc (09022015). Collection method: clinical testing. Allele origin: germline.
Comment: This sequence change replaces proline, which is neutral and non-polar, with leucine, which is neutral and non-polar, at codon 334 of the GJA1 protein (p.Pro334Leu). This variant is present in population databases (no rsID available, gnomAD 0.003%). This variant has not been reported in the literature in individuals affected with GJA1-related conditions. Advanced modeling of protein sequence and biophysical properties (such as structural, functional, and spatial information, amino acid conservation, physicochemical variation, residue mobility, and thermodynamic stability) performed at Invitae indicates that this missense variant is not expected to disrupt GJA1 protein function with a negative predictive value of 80%. In summary, the available evidence is currently insufficient to determine the role of this variant in disease. Therefore, it has been classified as a Variant of Uncertain Significance.

NM_000165.5(GJA1):c.1001C>T (p.Pro334Leu)

Gene: GJA1 (gap junction protein alpha 1; plus strand). Cytogenetic location: 6q22.31.
Variant type: single nucleotide variant.
Coding change: c.1001C>T on transcript NM_000165.5 (MANE Select); coding-DNA position 1001, C replaced by T.
Protein change: p.Pro334Leu; replaces proline 334 with leucine.
Molecular consequence: missense variant.
Genome position (GRCh38, 1-based): chr6:121,447,848, C>T. VCF-style: chr6-121447848-C-T. GRCh37 (hg19) VCF-style: chr6-121768994-C-T.
Other names: short protein forms P334L.
Identifiers: ClinVar variation 3715445 (VCV003715445.2).